The following is an entry in ClinVar:

NM_181712.5(KANK4):c.2908G>A (p.Ala970Thr)

Gene: KANK4 (KN motif and ankyrin repeat domains 4; minus strand). Cytogenetic location: 1p31.3.
Variant type: single nucleotide variant.
Coding change: c.2908G>A on transcript NM_181712.5 (MANE Select); coding-DNA position 2908, G replaced by A.
Protein change: p.Ala970Thr; replaces alanine 970 with threonine.
Molecular consequence: missense variant.
Genome position (GRCh38, 1-based): chr1:62,238,357, C>T on the plus strand (G>A on the coding strand, the complement: KANK4 is on the minus strand). VCF-style: chr1-62238357-C-T. GRCh37 (hg19) VCF-style: chr1-62704029-C-T.
Other names: c.1024G>A, p.Ala342Thr (NM_001320269.2); c.2908G>A (NM_181712.4); short protein forms A970T, A342T.
Identifiers: ClinVar variation 2136841 (VCV002136841.6), dbSNP rs141702470, ClinGen allele CA883943.

ClinVar aggregate classification (germline): Likely benign. Review status: criteria provided, single submitter (1 of 4 stars). 2 submissions from 2 submitters: Likely benign (1). 1 of the submissions does not count toward it. Last evaluated 2025-06-13.

Conditions:
KANK4-related disorder. Also called: KANK4-related condition.

Allele frequency attached by ClinVar (database versions not stated): 1000 Genomes Project 30x 0.00016; 1000 Genomes Project 0.00020; ExAC 0.00025; ESP Exome Variant Server 0.00069; gnomAD 0.00078; TOPMed 0.00083.
gnomAD v4.1: 232 of 1,613,820 alleles (0.014%); highest among the groups gnomAD compares: African/African-American, 0.26%; 1 homozygote.

Submissions (2):

Labcorp Genetics (formerly Invitae), Labcorp
Classification: Likely benign. Last evaluated: 2025-06-13. Review status: criteria provided, single submitter. Criteria: Invitae Variant Classification Sherloc (09022015). Collection method: clinical testing. Allele origin: germline.

PreventionGenetics, part of Exact Sciences
Classification: Likely benign for KANK4-related condition. Last evaluated: 2022-08-01. Review status: no assertion criteria provided. Collection method: clinical testing. Allele origin: germline. Not counted in ClinVar's aggregate classification.
Comment: This variant is classified as likely benign based on ACMG/AMP sequence variant interpretation guidelines (Richards et al. 2015 PMID: 25741868, with internal and published modifications).